The following is an entry in ClinVar:

ClinVar aggregate classification (germline): Pathogenic. Review status: criteria provided, single submitter (1 of 4 stars). 2 submissions from 2 submitters: Pathogenic (1). 1 of the submissions does not count toward it. Last evaluated 2022-05-01.

Conditions:
Bardet-Biedl syndrome (BBS). Identifiers: Orphanet 110, MedGen C0752166, MONDO:0015229.
Bardet-Biedl syndrome 10 (BBS10). Identifiers: Orphanet 110, MedGen C1859568, MONDO:0014438, OMIM 615987.

Submissions (2):

Labcorp Genetics (formerly Invitae), Labcorp
Classification: Pathogenic for Bardet-Biedl syndrome. Last evaluated: 2022-05-01. Review status: criteria provided, single submitter. Criteria: Invitae Variant Classification Sherloc (09022015). Collection method: clinical testing. Allele origin: germline.
Comment: ClinVar contains an entry for this variant (Variation ID: 550777). This sequence change creates a premature translational stop signal (p.Gln355Argfs*14) in the BBS10 gene. While this is not anticipated to result in nonsense mediated decay, it is expected to disrupt the last 369 amino acid(s) of the BBS10 protein. This variant is not present in population databases (gnomAD no frequency). This variant has not been reported in the literature in individuals affected with BBS10-related conditions. This variant disrupts a region of the BBS10 protein in which other variant(s) (p.Val707*) have been determined to be pathogenic (PMID: 20472660, 22773737, 25982971, 27486776). This suggests that this is a clinically significant region of the protein, and that variants that disrupt it are likely to be disease-causing. For these reasons, this variant has been classified as Pathogenic.

Counsyl
Classification: Likely pathogenic for Bardet-Biedl syndrome 10. Last evaluated: 2017-02-21. Review status: no assertion criteria provided. Collection method: clinical testing. Allele origin: unknown. Not counted in ClinVar's aggregate classification.

Literature cited by the submitters: PubMed 20472660 (cited by Labcorp Genetics (formerly Invitae), Labcorp); PubMed 22773737 (cited by Labcorp Genetics (formerly Invitae), Labcorp); PubMed 25982971 (cited by Labcorp Genetics (formerly Invitae), Labcorp); PubMed 27486776 (cited by Labcorp Genetics (formerly Invitae), Labcorp).

NM_024685.4(BBS10):c.1064del (p.Gln355fs)

Gene: BBS10 (Bardet-Biedl syndrome 10; minus strand). Cytogenetic location: 12q21.2.
Variant type: Deletion.
Coding change: c.1064del on transcript NM_024685.4 (MANE Select); coding-DNA position 1064, one base deleted (A; older notation c.1064delA).
Protein change: p.Gln355fs; shifts the reading frame from glutamine 355.
Molecular consequence: frameshift variant.
Genome position (GRCh38, 1-based): chr12:76,346,921, T deleted on the plus strand (A on the coding strand, the reverse complement: BBS10 is on the minus strand). VCF-style (leftmost placement, unchanged base first): chr12-76346920-CT-C. GRCh37 (hg19) VCF-style: chr12-76740700-CT-C.
Other names: c.1064del, p.Gln355fs (LRG_1255t1); short protein forms Q355fs.
Identifiers: ClinVar variation 550777 (VCV000550777.6), dbSNP rs1555202654, ClinGen allele CA658823429.